The following is an entry in ClinVar:

ClinVar aggregate classification (germline): Uncertain significance (1 of 4 stars; one submission).

Submission:

Ambry Genetics
Classification: Uncertain significance. Last evaluated: 2024-04-06. Review status: criteria provided, single submitter. Criteria: Ambry Variant Classification Scheme 2023. Collection method: clinical testing. Allele origin: germline.
Comment: The p.D654V variant (also known as c.1961A>T), located in coding exon 1 of the MLH3 gene, results from an A to T substitution at nucleotide position 1961. The aspartic acid at codon 654 is replaced by valine, an amino acid with highly dissimilar properties. This amino acid position is conserved. In addition, this alteration is predicted to be tolerated by in silico analysis. Based on the available evidence, the clinical significance of this variant remains unclear.

NM_001040108.2(MLH3):c.1961A>T (p.Asp654Val)

Gene: MLH3 (mutL homolog 3; minus strand). Cytogenetic location: 14q24.3.
Variant type: single nucleotide variant.
Coding change: c.1961A>T on transcript NM_001040108.2 (MANE Select); coding-DNA position 1961, A replaced by T.
Protein change: p.Asp654Val; replaces aspartic acid 654 with valine.
Molecular consequence: missense variant.
Genome position (GRCh38, 1-based): chr14:75,047,695, T>A on the plus strand (A>T on the coding strand, the complement: MLH3 is on the minus strand). VCF-style: chr14-75047695-T-A. GRCh37 (hg19) VCF-style: chr14-75514398-T-A.
Other names: c.1961A>T, p.Asp654Val (NM_014381.3); short protein forms D654V.
Identifiers: ClinVar variation 3295101 (VCV003295101.1).